The following is an entry in ClinVar:

NM_001080467.3(MYO5B):c.4440C>T (p.Leu1480=)

Genes: MYO5B (myosin VB; minus strand), SNHG22 (small nucleolar RNA host gene 22; plus strand). Cytogenetic location: 18q21.1.
Variant type: single nucleotide variant.
Coding change: c.4440C>T on transcript NM_001080467.3 (MANE Select); coding-DNA position 4440, C replaced by T.
Protein change: p.Leu1480=; no amino-acid change (leucine 1480 retained).
Molecular consequence: synonymous variant.
Genome position (GRCh38, 1-based): chr18:49,847,165, G>A on the plus strand (C>T on the coding strand, the complement: MYO5B is on the minus strand). VCF-style: chr18-49847165-G-A. GRCh37 (hg19) VCF-style: chr18-47373535-G-A.
Identifiers: ClinVar variation 891234 (VCV000891234.11), dbSNP rs777281668, ClinGen allele CA8960374.

ClinVar aggregate classification (germline): Conflicting classifications of pathogenicity. Review status: criteria provided, conflicting classifications (1 of 4 stars). 4 submissions from 4 submitters: Uncertain significance (1); Likely benign (2). 1 of the submissions does not count toward it. Last evaluated 2025-11-20.

Conditions:
MYO5B-related disorder. Also called: MYO5B-related condition.
Congenital microvillous atrophy (DIAR2). Also called: Microvillus inclusion disease; Diarrhea 2 with microvillus atrophy, with or without cholestasis; MICROVILLUS ATROPHY, CONGENITAL; CONGENITAL FAMILIAL PROTRACTED DIARRHEA WITH ENTEROCYTE BRUSH-BORDER ABNORMALITIES; DAVIDSON DISEASE. Identifiers: Orphanet 2290, MedGen C0341306, MONDO:0009635, OMIM 251850.

Allele frequency attached by ClinVar (database versions not stated): gnomAD 0.00002; gnomAD exomes 0.00002 and 0.00008; TOPMed 0.00003; ExAC 0.00007.
gnomAD v4.1: 50 of 1,614,000 alleles (0.0031%); highest among the groups gnomAD compares: South Asian, 0.032%; no homozygotes.

Submissions (4):

Labcorp Genetics (formerly Invitae), Labcorp
Classification: Likely benign. Last evaluated: 2025-11-20. Review status: criteria provided, single submitter. Criteria: Invitae Variant Classification Sherloc (09022015). Collection method: clinical testing. Allele origin: germline.

Blueprint Genetics
Classification: Likely benign. Last evaluated: 2024-07-02. Review status: criteria provided, single submitter. Criteria: ACMG Guidelines, 2015. Collection method: clinical testing. Allele origin: germline.

Illumina Laboratory Services, Illumina
Classification: Uncertain significance for Congenital microvillous atrophy. Last evaluated: 2018-01-13. Review status: criteria provided, single submitter. Criteria: ICSL Variant Classification Criteria 13 December 2019. Collection method: clinical testing. Allele origin: germline.

PreventionGenetics, part of Exact Sciences
Classification: Likely benign for MYO5B-related condition. Last evaluated: 2021-03-17. Review status: no assertion criteria provided. Collection method: clinical testing. Allele origin: germline. Not counted in ClinVar's aggregate classification.
Comment: This variant is classified as likely benign based on ACMG/AMP sequence variant interpretation guidelines (Richards et al. 2015 PMID: 25741868, with internal and published modifications).